The following is an entry in ClinVar:

NM_025114.4(CEP290):c.6547C>T (p.His2183Tyr)

Gene: CEP290 (centrosomal protein 290; minus strand). Cytogenetic location: 12q21.32.
Variant type: single nucleotide variant.
Coding change: c.6547C>T on transcript NM_025114.4 (MANE Select); coding-DNA position 6547, C replaced by T.
Protein change: p.His2183Tyr; replaces histidine 2183 with tyrosine.
Molecular consequence: missense variant.
Genome position (GRCh38, 1-based): chr12:88,059,996, G>A on the plus strand (C>T on the coding strand, the complement: CEP290 is on the minus strand). VCF-style: chr12-88059996-G-A. GRCh37 (hg19) VCF-style: chr12-88453773-G-A.
Other names: short protein forms H2183Y.
Identifiers: ClinVar variation 216769 (VCV000216769.12), dbSNP rs535765861, ClinGen allele CA338829.

ClinVar aggregate classification (germline): Uncertain significance. Review status: criteria provided, multiple submitters, no conflicts (2 of 4 stars). 3 submissions from 3 submitters: Uncertain significance (2). 1 of the submissions does not count toward it. Last evaluated 2021-09-01.

Conditions:
Meckel-Gruber syndrome. Also called: Dysencephalia splachnocystica; DYSENCEPHALIA SPLANCHNOCYSTICA; GRUBER SYNDROME. Identifiers: Orphanet 564, MedGen C0265215, MONDO:0018921.
Nephronophthisis. Also called: Juvenile Nephronophthisis. Identifiers: Orphanet 655, MedGen C0687120, MONDO:0019005, HP:0000090.
Joubert syndrome. Also called: CEREBELLOPARENCHYMAL DISORDER IV; JOUBERT-BOLTSHAUSER SYNDROME; Familial aplasia of the vermis. Identifiers: Orphanet 475, MedGen C5979921, MONDO:0018772.
Leber congenital amaurosis (LCA). Also called: Leber's amaurosis. Identifiers: Orphanet 65, MedGen C0339527, MeSH D057130, MONDO:0018998.

Allele frequency attached by ClinVar (database versions not stated): gnomAD exomes 0.00001; TOPMed 0.00001.
gnomAD v4.1: 11 of 1,565,602 alleles (0.0007%); highest among the groups gnomAD compares: Admixed American, 0.002%; no homozygotes.

Submissions (3):

Labcorp Genetics (formerly Invitae), Labcorp
Classification: Uncertain significance for Joubert syndrome; Meckel-Gruber syndrome; Nephronophthisis. Last evaluated: 2021-09-01. Review status: criteria provided, single submitter. Criteria: Invitae Variant Classification Sherloc (09022015). Collection method: clinical testing. Allele origin: germline.
Comment: This sequence change replaces histidine with tyrosine at codon 2183 of the CEP290 protein (p.His2183Tyr). The histidine residue is moderately conserved and there is a moderate physicochemical difference between histidine and tyrosine. This variant is not present in population databases (ExAC no frequency). This missense change has been observed in individual(s) with retinal dystrophy (PMID: 28224992). ClinVar contains an entry for this variant (Variation ID: 216769). Algorithms developed to predict the effect of missense changes on protein structure and function are either unavailable or do not agree on the potential impact of this missense change (SIFT: "Deleterious"; PolyPhen-2: "Possibly Damaging"; Align-GVGD: "Class C0"). In summary, the available evidence is currently insufficient to determine the role of this variant in disease. Therefore, it has been classified as a Variant of Uncertain Significance.

Genetic Services Laboratory, University of Chicago
Classification: Uncertain significance. Last evaluated: 2015-10-05. Review status: criteria provided, single submitter. Criteria: ACMG Guidelines, 2015. Collection method: clinical testing. Allele origin: germline. Affected: no.

Natera, Inc.
Classification: Uncertain significance for Leber congenital amaurosis. Last evaluated: 2021-04-09. Review status: no assertion criteria provided. Collection method: clinical testing. Allele origin: germline. Not counted in ClinVar's aggregate classification.

Literature cited by the submitters: PubMed 28224992 (cited by Labcorp Genetics (formerly Invitae), Labcorp).